The following is an entry in ClinVar:

NM_004076.5(CRYBB3):c.329A>G (p.Asp110Gly)

Gene: CRYBB3 (crystallin beta B3; plus strand). Cytogenetic location: 22q11.23.
Variant type: single nucleotide variant.
Coding change: c.329A>G on transcript NM_004076.5 (MANE Select); coding-DNA position 329, A replaced by G.
Protein change: p.Asp110Gly; replaces aspartic acid 110 with glycine.
Molecular consequence: missense variant.
Genome position (GRCh38, 1-based): chr22:25,205,221, A>G. VCF-style: chr22-25205221-A-G. GRCh37 (hg19) VCF-style: chr22-25601188-A-G.
Other names: c.329A>G (NM_004076.3); short protein forms D110G.
Identifiers: ClinVar variation 392473 (VCV000392473.4), dbSNP rs370333197, ClinGen allele CA10157769.

ClinVar aggregate classification (germline): Uncertain significance. Review status: criteria provided, multiple submitters, no conflicts (2 of 4 stars). 2 submissions from 2 submitters: Uncertain significance (2). Last evaluated 2023-07-30.

Conditions:
Inborn genetic diseases. Identifiers: MedGen C0950123, MeSH D030342.

Allele frequency attached by ClinVar (database versions not stated): gnomAD exomes below 0.00001; ExAC 0.00001; gnomAD 0.00005 and 0.00006; TOPMed 0.00006; ESP Exome Variant Server 0.00008.
gnomAD v4.1: 10 of 1,613,822 alleles (0.00062%); highest among the groups gnomAD compares: African/African-American, 0.011%; no homozygotes.

Submissions (2):

Ambry Genetics
Classification: Uncertain significance for Inborn genetic diseases. Last evaluated: 2023-07-30. Review status: criteria provided, single submitter. Criteria: Ambry Variant Classification Scheme 2023. Collection method: clinical testing. Allele origin: germline.

GeneDx
Classification: Uncertain significance. Last evaluated: 2017-01-11. Review status: criteria provided, single submitter. Criteria: GeneDx Variant Classification (06012015). Collection method: clinical testing. Allele origin: germline. Affected: yes.
Comment: The D110G variant in the CRYBB3 gene has not been reported previously as a pathogenic variant, nor as a benign variant, to our knowledge. This variant was not observed at any significant frequency in approximately 6500 individuals of European and African American ancestry in the NHLBI Exome Sequencing Project, indicating it is not a common benign variant in these populations. The D110G variant is a non-conservative amino acid substitution, which is likely to impact secondary protein structure as these residues differ in polarity, charge, size and/or other properties. This substitution occurs at a position where amino acids with similar properties to Aspartic Acid are tolerated across species. In silico analysis predicts this variant is probably damaging to the protein structure/function. We interpret D110G as a variant of uncertain significance.